The following is an entry in ClinVar:

NM_000278.5(PAX2):c.87C>A (p.Asn29Lys)

Gene: PAX2 (paired box 2; plus strand). Cytogenetic location: 10q24.31.
Variant type: single nucleotide variant.
Coding change: c.87C>A on transcript NM_000278.5 (MANE Select); coding-DNA position 87, C replaced by A.
Protein change: p.Asn29Lys; replaces asparagine 29 with lysine.
Molecular consequence: missense variant.
Genome position (GRCh38, 1-based): chr10:100,749,789, C>A. VCF-style: chr10-100749789-C-A. GRCh37 (hg19) VCF-style: chr10-102509546-C-A.
Other names: c.180C>A, p.Asn60Lys (NM_001304569.2); c.87C>A, p.Asn29Lys (NM_003987.5, NM_003988.5, NM_003989.5 and 1 more transcripts); short protein forms N29K, N60K.
Identifiers: ClinVar variation 5021459 (VCV005021459.1).

ClinVar aggregate classification (germline): Likely pathogenic (1 of 4 stars; one submission).

Conditions:
Renal coloboma syndrome (PAPRS). Also called: PAPILLORENAL SYNDROME; COLOBOMA OF OPTIC NERVE WITH RENAL DISEASE; OPTIC COLOBOMA, VESICOURETERAL REFLUX, AND RENAL ANOMALIES; OPTIC NERVE COLOBOMA WITH RENAL DISEASE; RENAL-COLOBOMA SYNDROME WITH MACULAR ABNORMALITIES; PAPILLORENAL SYNDROME WITH MILD OCULAR ABNORMALITIES. Identifiers: Orphanet 1475, MedGen C1852759, MONDO:0007352, OMIM 120330.

Submission:

Molecular Genetics Laboratory, Motol Hospital
Classification: Likely pathogenic for Renal coloboma syndrome. Last evaluated: 2026-09-25. Review status: criteria provided, single submitter. Criteria: ACMG Guidelines, 2015. Collection method: clinical testing. Allele origin: germline. Inheritance: Sporadic. Affected: yes. Observed: 1 variant allele, 1 heterozygote.
Comment: A rare variant not present in non-Finnish European population (gnomAD v4.1.1) (PM2). Located in the mutation hotspot of the exon 2 of the PAX2 gene - the adjacent variants are classified as pathogenic and likely pathogenic in ClinVar database and literature (PM1, PP2). In silico tools predict the deleterious impact on the gene/encoded protein (PP3). The variant is classified as likely pathogenic.

Literature cited by the submitters: PubMed 22213154; NCBI Bookshelf NBK1451.